The following is an entry in ClinVar:

NM_198334.3(GANAB):c.1519G>C (p.Ala507Pro)

Gene: GANAB (glucosidase II alpha subunit; minus strand). Cytogenetic location: 11q12.3.
Variant type: single nucleotide variant.
Coding change: c.1519G>C on transcript NM_198334.3 (MANE Select); coding-DNA position 1519, G replaced by C.
Protein change: p.Ala507Pro; replaces alanine 507 with proline.
Molecular consequence: missense variant.
Genome position (GRCh38, 1-based): chr11:62,630,271, C>G on the plus strand (G>C on the coding strand, the complement: GANAB is on the minus strand). VCF-style: chr11-62630271-C-G. GRCh37 (hg19) VCF-style: chr11-62397743-C-G.
Other names: c.1243G>C, p.Ala415Pro (NM_001278192.2); c.1177G>C, p.Ala393Pro (NM_001278193.2); c.1228G>C, p.Ala410Pro (NM_001278194.2, NM_001329222.2, NM_001329223.2); c.796G>C, p.Ala266Pro (NM_001329224.2, NM_001329225.2); c.1585G>C, p.Ala529Pro (NM_198335.4); short protein forms A266P, A393P, A410P, A415P, A507P, A529P.
Identifiers: ClinVar variation 2575642 (VCV002575642.5), dbSNP rs2134477276, ClinGen allele CA380992530.

ClinVar aggregate classification (germline): Uncertain significance. Review status: criteria provided, multiple submitters, no conflicts (2 of 4 stars). 4 submissions from 4 submitters: Uncertain significance (4). Last evaluated 2025-03-31.

Conditions:
Renal cyst. Also called: Cystic kidney disease; Renal cysts; cystic kidneys. Identifiers: MedGen C3887499, MONDO:0002473, HP:0000107.
Polycystic kidney disease 3 with or without polycystic liver disease. Also called: Polycystic kidney disease 3; Polycystic Kidney and/or Polycystic Liver Disease 3; POLYCYSTIC KIDNEY DISEASE, ADULT, TYPE III. Identifiers: MedGen C3887964, MONDO:0010916, OMIM 600666.

Allele frequency attached by ClinVar (database versions not stated): gnomAD exomes below 0.00001.
gnomAD v4.1: 4 of 1,613,566 alleles (0.00025%); highest among the groups gnomAD compares: Non-Finnish European, 0.00034%; no homozygotes.

Submissions (4):

Victorian Clinical Genetics Services, Murdoch Childrens Research Institute
Classification: Uncertain significance for Polycystic kidney disease 3 with or without polycystic liver disease. Last evaluated: 2025-03-31. Review status: criteria provided, single submitter. Criteria: ACMG Guidelines, 2015. Collection method: clinical testing. Allele origin: germline. Affected: yes.
Comment: This variant is classified as VUS-3B. Evidence in support of pathogenic classification: Variant is present in gnomAD <0.001 for a dominant condition (v4: 4 heterozygote(s), 0 homozygote(s); Missense variant predicted to be damaging by in silico tool(s) or highly conserved with a major amino acid change. Additional information: Variant is predicted to result in a missense amino acid change from alanine to proline; This variant is heterozygous; This gene is associated with autosomal dominant disease; Previous evidence of pathogenicity for this variant is inconclusive. This variant has been classified as a VUS by a clinical laboratory in ClinVar; No published segregation evidence has been identified for this variant; No published functional evidence has been identified for this variant; Another missense variant(s) comparable to the one identified in this case has inconclusive previous evidence for pathogenicity. p.(Ala507Ser) has been classified as a VUS by a clinical laboratory in ClinVar; Variant is located in the annotated glycosyl hydrolases family 31 TIM-barrel domain (DECIPHER); Loss of function is a known mechanism of disease in this gene and is associated with polycystic kidney disease 3 (MIM#600666); Inheritance information for this variant is not currently available in this individual.

GeneDx
Classification: Uncertain significance. Last evaluated: 2023-02-13. Review status: criteria provided, single submitter. Criteria: GeneDx Variant Classification Process June 2021. Collection method: clinical testing. Allele origin: germline. Affected: yes.
Comment: Not observed at significant frequency in large population cohorts (gnomAD); In silico analysis supports that this missense variant has a deleterious effect on protein structure/function; Has not been previously published as pathogenic or benign to our knowledge

Blueprint Genetics
Classification: Uncertain significance. Last evaluated: 2020-02-19. Review status: criteria provided, single submitter. Criteria: ACMG Guidelines, 2015. Collection method: clinical testing. Allele origin: germline.

Cambridge Genomics Laboratory, East Genomic Laboratory Hub, NHS Genomic Medicine Service
Classification: Uncertain significance for Renal cyst. Last evaluated: 2019-10-04. Review status: criteria provided, single submitter. Criteria: ACGS Best Practice Guidelines for Variant Classification in Rare Disease 2020. Collection method: clinical testing. Allele origin: germline. Affected: yes. Observed: 1 variant allele.